The following is an entry in ClinVar:

ClinVar aggregate classification (germline): Uncertain significance (1 of 4 stars; one submission).

Conditions:
NRP1-related disorder. Also called: NRP1-related condition.

gnomAD v4.1: 24 of 1,614,174 alleles (0.0015%); highest among the groups gnomAD compares: Non-Finnish European, 0.0019%; no homozygotes.

Submission:

PreventionGenetics, part of Exact Sciences
Classification: Uncertain significance for NRP1-related condition. Last evaluated: 2026-03-04. Review status: criteria provided, single submitter. Criteria: ACMG Guidelines, 2015. Collection method: clinical testing. Allele origin: germline.
Comment: The NRP1 c.1822G>A variant is predicted to result in the amino acid substitution p.Ala608Thr. To our knowledge, this variant has not been reported in the literature or in a large population database (gnomAD), indicating this variant is rare. At this time, the clinical significance of this variant is uncertain due to the absence of conclusive functional and genetic evidence.

NM_003873.7(NRP1):c.1822G>A (p.Ala608Thr)

Gene: NRP1 (neuropilin 1; minus strand). Cytogenetic location: 10p11.22.
Variant type: single nucleotide variant.
Coding change: c.1822G>A on transcript NM_003873.7 (MANE Select); coding-DNA position 1822, G replaced by A.
Protein change: p.Ala608Thr; replaces alanine 608 with threonine.
Molecular consequence: missense variant. On other transcripts: non-coding transcript variant (1), intron variant (1).
Genome position (GRCh38, 1-based): chr10:33,202,933, C>T on the plus strand (G>A on the coding strand, the complement: NRP1 is on the minus strand). VCF-style: chr10-33202933-C-T. GRCh37 (hg19) VCF-style: chr10-33491861-C-T.
Other names: c.1822G>A, p.Ala608Thr (NM_001024628.3, NM_001244972.2, NM_001244973.2 and 1 more transcripts); c.1759+4639G>A (NM_001024629.3); short protein forms A608T.
Identifiers: ClinVar variation 4987984 (VCV004987984.1).